The following is an entry in ClinVar:

NM_177438.3(DICER1):c.4283T>A (p.Met1428Lys)

Gene: DICER1 (dicer 1, ribonuclease III; minus strand). Cytogenetic location: 14q32.13.
Variant type: single nucleotide variant.
Coding change: c.4283T>A on transcript NM_177438.3 (MANE Select); coding-DNA position 4283, T replaced by A.
Protein change: p.Met1428Lys; replaces methionine 1428 with lysine.
Molecular consequence: missense variant.
Genome position (GRCh38, 1-based): chr14:95,096,637, A>T on the plus strand (T>A on the coding strand, the complement: DICER1 is on the minus strand). VCF-style: chr14-95096637-A-T. GRCh37 (hg19) VCF-style: chr14-95562974-A-T.
Other names: NM_177438.3(DICER1):c.4283T>A; p.Met1428Lys; c.4283T>A, p.Met1428Lys (NM_001195573.1, NM_001271282.3, NM_001291628.2 and 1 more transcripts); short protein forms M1428K.
Identifiers: ClinVar variation 412118 (VCV000412118.19), dbSNP rs996633792, ClinGen allele CA16614307.

ClinVar aggregate classification (germline): Likely benign. Review status: reviewed by expert panel (3 of 4 stars). 5 submissions from 5 submitters: Likely benign (1). 4 of the submissions do not count toward it. Last evaluated 2026-06-23.

Conditions:
DICER1-related tumor predisposition. Also called: DICER1 syndrome; DICER1-related pleuropulmonary blastoma cancer predisposition syndrome. Identifiers: Orphanet 284343, MedGen C3839822, MONDO:0100216.
Hereditary cancer-predisposing syndrome. Also called: Hereditary Cancer Syndrome; Tumor predisposition; Hereditary neoplastic syndrome; Neoplastic Syndromes, Hereditary. Identifiers: Orphanet 140162, MedGen C0027672, MeSH D009386, MONDO:0015356.

Allele frequency attached by ClinVar (database versions not stated): gnomAD 0.00002 and 0.00001; TOPMed 0.00002; gnomAD exomes 0.00001.

Submissions (5):

ClinGen DICER1 and miRNA-Processing Gene Variant Curation Expert Panel, ClinGen
Classification: Likely benign for DICER1-related tumor predisposition. Last evaluated: 2026-06-23. Review status: reviewed by expert panel. Criteria: ClinGen DICER1 ACMG Specifications DICER1 V1.4.0. Collection method: curation. Allele origin: germline. Inheritance: Autosomal dominant inheritance.
Comment: The NM_177438.3:c.4283T>A variant in DICER1 is a missense variant predicted to replace methionine with lysine at codon 1428 (p.Met1428Lys). This variant received a total of 0.5 phenotype points in a single proband (PS4 not met; Internal lab contributors). This variant has been seen in 10 or more unrelated females without tumors through age 50 in at least one testing laboratory (BS2_Supporting; Internal lab contributors). The total allele frequency in gnomAD v4.1.0 is 0.00001427 (23/1612172 alleles) with a highest population minor allele frequency of 0.00006684 (4/59840 alleles) in the Admixed American population and with multiple alleles present in the Admixed American and European (non-Finnish) population (PM2_Supporting, BS1, and BA1 are not met). In silico tools predict no damaging impact of the variant on protein function (REVEL: 0.115; MaxEntScan and SpliceAI: no effect on splicing) (BP4). Three different missense variants, c.4284G>A (p.Met1428Ile), c.4283T>G (p.Met1428Arg), c.4282A>T (p.Met1428Leu), with Grantham score equal to or less than the current variant have been reported in the same codon (ClinVar Variation ID: 1513143, 2014265, 2566150). However, these variants have not met the criteria to be classified as pathogenic by the ClinGen DICER VCEP (PM5 not met). In summary, this variant meets the criteria to be classified as Likely Benign for DICER1-related tumor predisposition based on the ACMG/AMP criteria applied, as specified by the ClinGen DICER1 VCEP: BS2_Supporting, BP4. (Bayesian Points: -2; VCEP specifications version 1.4.0; 06/23/2026)

Ambry Genetics
Classification: Likely benign for Hereditary cancer-predisposing syndrome. Last evaluated: 2026-06-01. Review status: criteria provided, single submitter. Criteria: Ambry Variant Classification Scheme 2023. Collection method: clinical testing. Allele origin: germline. Not counted in ClinVar's aggregate classification.

Labcorp Genetics (formerly Invitae), Labcorp
Classification: Uncertain significance for DICER1-related tumor predisposition. Last evaluated: 2026-01-31. Review status: criteria provided, single submitter. Criteria: Invitae Variant Classification Sherloc (09022015). Collection method: clinical testing. Allele origin: germline. Not counted in ClinVar's aggregate classification.
Comment: This sequence change replaces methionine, which is neutral and non-polar, with lysine, which is basic and polar, at codon 1428 of the DICER1 protein (p.Met1428Lys). This variant is present in population databases (no rsID available, gnomAD 0.009%). This variant has not been reported in the literature in individuals affected with DICER1-related conditions. ClinVar contains an entry for this variant (Variation ID: 412118). Invitae Evidence Modeling of protein sequence and biophysical properties (such as structural, functional, and spatial information, amino acid conservation, physicochemical variation, residue mobility, and thermodynamic stability) indicates that this missense variant is not expected to disrupt DICER1 protein function with a negative predictive value of 95%. In summary, the available evidence is currently insufficient to determine the role of this variant in disease. Therefore, it has been classified as a Variant of Uncertain Significance.

GeneDx
Classification: Uncertain significance. Last evaluated: 2022-05-10. Review status: criteria provided, single submitter. Criteria: GeneDx Variant Classification Process June 2021. Collection method: clinical testing. Allele origin: germline. Affected: yes. Not counted in ClinVar's aggregate classification.
Comment: Not observed at significant frequency in large population cohorts (gnomAD); In silico analysis supports that this missense variant does not alter protein structure/function; Has not been previously published as pathogenic or benign to our knowledge

Sema4
Classification: Uncertain significance for Hereditary cancer-predisposing syndrome. Last evaluated: 2021-10-02. Review status: criteria provided, single submitter. Criteria: Sema4 Curation Guidelines. Collection method: curation. Allele origin: germline. Not counted in ClinVar's aggregate classification.
Comment: The DICER1 c.4283T>A (p.M1428K) variant has not been reported in the literature to our knowledge. It was observed in 3/35186 chromosomes of the Latino subpopulation in the large and broad cohorts of the Genome Aggregation Database (PMID: 32461654). The variant has been reported in ClinVar (Variation ID: 412118). Functional studies have not been performed, and in silico predictions of the variant's effect on protein function are inconclusive. The evidence is insufficient to meet ACMG/AMP criteria for classifying the variant as benign or pathogenic. Thus, the clinical significance of this variant is currently uncertain.